The following is an entry in ClinVar:

NM_001204.7(BMPR2):c.*2939A>G

Gene: BMPR2 (bone morphogenetic protein receptor type 2; plus strand). Cytogenetic location: 2q33.2.
Variant type: single nucleotide variant.
Coding change: c.*2939A>G on transcript NM_001204.7 (MANE Select); 2939 bases downstream of the stop codon, A replaced by G.
Molecular consequence: 3 prime UTR variant.
Genome position (GRCh38, 1-based): chr2:202,562,885, A>G. VCF-style: chr2-202562885-A-G. GRCh37 (hg19) VCF-style: chr2-203427608-A-G.
Other names: c.*2939A>G (LRG_712t1).
Identifiers: ClinVar variation 333685 (VCV000333685.5), dbSNP rs13382817, ClinGen allele CA10613621.
Genomic context (GRCh38, chr2:202,562,885, plus strand): 5'-TGCATAATTGGCAAAAAAAAAAACCCACTGTTACCAGTGTAGGAAGTTACAAGAAGGCAC[A>G]TACTGAATGCTGAAGTATACATATGCTATTTCTCTTAAACCTCAGAGCAACCATATGAGC-3'

ClinVar aggregate classification (germline): Benign (1 of 4 stars; one submission).

Conditions:
Pulmonary hypertension, primary, 1 (PPH1). Also called: Pulmonary hypertension, familial primary, 1, with or without HHT. Identifiers: Orphanet 422, MedGen C4552070, MONDO:0024533, OMIM 178600.

Allele frequency attached by ClinVar (database versions not stated): gnomAD 0.00611; TOPMed 0.00644; 1000 Genomes Project 0.00679; 1000 Genomes Project 30x 0.00937.

Submission:

Illumina Laboratory Services, Illumina
Classification: Benign for Pulmonary hypertension, primary, 1. Last evaluated: 2018-01-12. Review status: criteria provided, single submitter. Criteria: ICSL Variant Classification Criteria 13 December 2019. Collection method: clinical testing. Allele origin: germline.
Comment: This variant was observed in the ICSL laboratory as part of a predisposition screen in an ostensibly healthy population. It had not been previously curated by ICSL or reported in the Human Gene Mutation Database (HGMD: prior to June 1st, 2018), and was therefore a candidate for classification through an automated scoring system. Utilizing variant allele frequency, disease prevalence and penetrance estimates, and inheritance mode, an automated score was calculated to assess if this variant is too frequent to cause the disease. Based on the score and internal cut-off values, a variant classified as benign is not then subjected to further curation. The score for this variant resulted in a classification of benign for this disease.